The following is an entry in ClinVar:

ClinVar aggregate classification (germline): Uncertain significance (1 of 4 stars; one submission).

Submission:

Labcorp Genetics (formerly Invitae), Labcorp
Classification: Uncertain significance. Last evaluated: 2022-09-02. Review status: criteria provided, single submitter. Criteria: Invitae Variant Classification Sherloc (09022015). Collection method: clinical testing. Allele origin: germline.
Comment: This sequence change creates a premature translational stop signal (p.Val172Glyfs*22) in the KIAA1161 gene. While this is not anticipated to result in nonsense mediated decay, it is expected to disrupt the last 543 amino acid(s) of the KIAA1161 protein. This variant is present in population databases (no rsID available, gnomAD 0.001%). This variant has not been reported in the literature in individuals affected with KIAA1161-related conditions. Experimental studies and prediction algorithms are not available or were not evaluated, and the functional significance of this variant is currently unknown. In summary, the available evidence is currently insufficient to determine the role of this variant in disease. Therefore, it has been classified as a Variant of Uncertain Significance.

NM_020702.5(MYORG):c.510_514dup (p.Val172fs)

Gene: MYORG (myogenesis regulating glycosidase; minus strand). Cytogenetic location: 9p13.3.
Variant type: Microsatellite.
Coding change: c.510_514dup on transcript NM_020702.5 (MANE Select); coding-DNA positions 510 to 514, 5 bases duplicated (GGCCG; older notation c.510_514dupGGCCG).
Protein change: p.Val172fs; shifts the reading frame from valine 172.
Molecular consequence: frameshift variant.
Genome position (GRCh38, 1-based): chr9:34,372,430-34,372,434, CGGCC duplicated on the plus strand (GGCCG on the coding strand, the reverse complement: MYORG is on the minus strand); duplicating any 5 consecutive bases within chr9:34,372,430-34,372,443 gives the same sequence; the c. name uses the placement nearest the transcript's 3' end. VCF-style (leftmost placement, unchanged base first): chr9-34372429-A-ACGGCC. GRCh37 (hg19) VCF-style: chr9-34372427-A-ACGGCC.
Other names: short protein forms V172fs.
Identifiers: ClinVar variation 1914755 (VCV001914755.5), dbSNP rs1388793696, ClinGen allele CA587567778.